The following is an entry in ClinVar:

ClinVar aggregate classification (germline): Uncertain significance (1 of 4 stars; one submission).

gnomAD v4.1: 2 of 1,611,532 alleles (0.00012%); highest among the groups gnomAD compares: Non-Finnish European, 0.000085%; no homozygotes.

Submission:

Athena Diagnostics
Classification: Uncertain significance. Last evaluated: 2023-12-22. Review status: criteria provided, single submitter. Criteria: Athena Diagnostics Criteria. Collection method: clinical testing. Allele origin: unknown.
Comment: Available data are insufficient to determine the clinical significance of the variant at this time. This variant has been identified in at least one individual tested at Athena Diagnostics with clinical features associated with this gene. This variant has not been reported in large, multi-ethnic general populations. Computational tools predict that this variant is damaging.

NM_001166114.2(PNPLA6):c.2434C>T (p.Arg812Trp)

Gene: PNPLA6 (patatin like phospholipase domain containing 6; plus strand). Cytogenetic location: 19p13.2.
Variant type: single nucleotide variant.
Coding change: c.2434C>T on transcript NM_001166114.2 (MANE Select); coding-DNA position 2434, C replaced by T.
Protein change: p.Arg812Trp; replaces arginine 812 with tryptophan.
Molecular consequence: missense variant.
Genome position (GRCh38, 1-based): chr19:7,554,241, C>T. VCF-style: chr19-7554241-C-T. GRCh37 (hg19) VCF-style: chr19-7619127-C-T.
Other names: c.2464C>T, p.Arg822Trp (NM_001166111.2); c.2239C>T, p.Arg747Trp (NM_001166112.2); c.2320C>T, p.Arg774Trp (NM_001166113.1, NM_006702.5); short protein forms R747W, R774W, R812W, R822W.
Identifiers: ClinVar variation 3571799 (VCV003571799.1).